The following is an entry in ClinVar:

ClinVar aggregate classification (germline): Benign/Likely benign. Review status: criteria provided, multiple submitters, no conflicts (2 of 4 stars). 3 submissions from 3 submitters: Benign (1); Likely benign (2). Last evaluated 2026-02-01.

Conditions:
Arthrogryposis, renal dysfunction, and cholestasis 1 (ARCS1). Identifiers: Orphanet 2697, MedGen C1859722, MONDO:0008822, OMIM 208085.

Allele frequency attached by ClinVar (database versions not stated): gnomAD 0.00029 and 0.00030; gnomAD exomes 0.00008 and 0.00048; TOPMed 0.00032; ExAC 0.00042; 1000 Genomes Project 30x 0.00078; 1000 Genomes Project 0.00080.
gnomAD v4.1: 172 of 1,607,708 alleles (0.011%); highest among the groups gnomAD compares: East Asian, 0.31%; no homozygotes.

Submissions (3):

Labcorp Genetics (formerly Invitae), Labcorp
Classification: Benign. Last evaluated: 2026-02-01. Review status: criteria provided, single submitter. Criteria: Invitae Variant Classification Sherloc (09022015). Collection method: clinical testing. Allele origin: germline.

Blueprint Genetics
Classification: Likely benign. Last evaluated: 2024-10-30. Review status: criteria provided, single submitter. Criteria: ACMG Guidelines, 2015. Collection method: clinical testing. Allele origin: germline.

Illumina Laboratory Services, Illumina
Classification: Likely benign for Arthrogryposis, renal dysfunction, and cholestasis 1. Last evaluated: 2018-01-13. Review status: criteria provided, single submitter. Criteria: ICSL Variant Classification Criteria 13 December 2019. Collection method: clinical testing. Allele origin: germline.
Comment: This variant was observed in the ICSL laboratory as part of a predisposition screen in an ostensibly healthy population. It had not been previously curated by ICSL or reported in the Human Gene Mutation Database (HGMD: prior to June 1st, 2018), and was therefore a candidate for classification through an automated scoring system. Utilizing variant allele frequency, disease prevalence and penetrance estimates, and inheritance mode, an automated score was calculated to assess if this variant is too frequent to cause the disease. Based on the score and internal cut-off values, a variant classified as likely benign is not then subjected to further curation. The score for this variant resulted in a classification of likely benign for this disease.

NM_018668.5(VPS33B):c.604-14T>C

Gene: VPS33B (VPS33B late endosome and lysosome associated; minus strand). Cytogenetic location: 15q26.1.
Variant type: single nucleotide variant.
Coding change: c.604-14T>C on transcript NM_018668.5 (MANE Select); 14 bases into the intron before coding-DNA position 604, T replaced by C.
Molecular consequence: intron variant.
Genome position (GRCh38, 1-based): chr15:91,007,060, A>G on the plus strand (T>C on the coding strand, the complement: VPS33B is on the minus strand). VCF-style: chr15-91007060-A-G. GRCh37 (hg19) VCF-style: chr15-91550290-A-G.
Other names: c.523-14T>C (NM_001289148.1); c.331-14T>C (NM_001289149.1).
Identifiers: ClinVar variation 884631 (VCV000884631.9), dbSNP rs143987577, ClinGen allele CA7744981.